The following is an entry in ClinVar:

NM_007294.4(BRCA1):c.2142del (p.Asn714fs)

Gene: BRCA1 (BRCA1 DNA repair associated; minus strand). Cytogenetic location: 17q21.31.
Variant type: Deletion.
Coding change: c.2142del on transcript NM_007294.4 (MANE Select); coding-DNA position 2142, one base deleted (T; older notation c.2142delT).
Protein change: p.Asn714fs; shifts the reading frame from asparagine 714.
Molecular consequence: frameshift variant. On other transcripts: intron variant (137).
Genome position (GRCh38, 1-based): chr17:43,093,389, A deleted on the plus strand (T on the coding strand, the reverse complement: BRCA1 is on the minus strand). VCF-style (leftmost placement, unchanged base first): chr17-43093388-TA-T. GRCh37 (hg19) VCF-style: chr17-41245405-TA-T.
Other names: 2261delT; c.1929del, p.Asn643fs (NM_001407571.1, NM_001407853.1, NM_001407894.1 and 9 more transcripts); c.2142del, p.Asn714fs (NM_001407581.1, NM_001407582.1, NM_001407583.1 and 30 more transcripts); c.2139del, p.Asn713fs (NM_001407587.1, NM_001407590.1, NM_001407591.1 and 22 more transcripts); c.2133del, p.Asn711fs (NM_001407646.1, NM_001407647.1); c.2019del, p.Asn673fs (NM_001407648.1, NM_001407664.1, NM_001407665.1 and 19 more transcripts); c.2016del, p.Asn672fs (NM_001407649.1, NM_001407670.1, NM_001407671.1 and 11 more transcripts); c.2064del, p.Asn688fs (NM_001407653.1, NM_001407654.1, NM_001407655.1 and 4 more transcripts); and 42 more; short protein forms N667fs, N714fs, N625fs, N688fs, N711fs, N713fs, N418fs, N626fs.
Identifiers: ClinVar variation 54475 (VCV000054475.4), dbSNP rs273898679, ClinGen allele CA001438.

ClinVar aggregate classification (germline): Pathogenic. Review status: reviewed by expert panel (3 of 4 stars). 3 submissions from 3 submitters: Pathogenic (1). 2 of the submissions do not count toward it. Last evaluated 2016-09-08.

Conditions:
Breast-ovarian cancer, familial, susceptibility to, 1 (BROVCA1). Also called: OVARIAN CANCER, SUSCEPTIBILITY TO; BRCA1 Hereditary Breast and Ovarian Cancer. Identifiers: Orphanet 145, MedGen C2676676, MONDO:0011450, OMIM 604370. Disease mechanism: loss of function.

Submissions (3):

Evidence-based Network for the Interpretation of Germline Mutant Alleles (ENIGMA)
Classification: Pathogenic for Breast-ovarian cancer, familial, susceptibility to, 1. Last evaluated: 2016-09-08. Review status: reviewed by expert panel. Criteria: ENIGMA BRCA1/2 Classification Criteria (2015). Collection method: curation. Allele origin: germline.
Comment: Variant allele predicted to encode a truncated non-functional protein.

Consortium of Investigators of Modifiers of BRCA1/2 (CIMBA), c/o University of Cambridge
Classification: Pathogenic for Breast-ovarian cancer, familial, susceptibility to, 1. Last evaluated: 2015-10-02. Review status: criteria provided, single submitter. Criteria: CIMBA Mutation Classification guidelines May 2016. Collection method: clinical testing. Allele origin: germline. Not counted in ClinVar's aggregate classification.

Breast Cancer Information Core (BIC) (BRCA1)
Classification: Pathogenic for Breast-ovarian cancer, familial 1. Last evaluated: 2005-05-18. Review status: no assertion criteria provided. Collection method: clinical testing. Allele origin: germline. Affected: yes. Observed: 1 variant allele. Not counted in ClinVar's aggregate classification.